The following is an entry in ClinVar:

NM_138713.4(NFAT5):c.4303C>T (p.Pro1435Ser)

Gene: NFAT5 (nuclear factor of activated T cells 5; plus strand). Cytogenetic location: 16q22.1.
Variant type: single nucleotide variant.
Coding change: c.4303C>T on transcript NM_138713.4 (MANE Select); coding-DNA position 4303, C replaced by T.
Protein change: p.Pro1435Ser; replaces proline 1435 with serine.
Molecular consequence: missense variant.
Genome position (GRCh38, 1-based): chr16:69,694,128, C>T. VCF-style: chr16-69694128-C-T. GRCh37 (hg19) VCF-style: chr16-69728031-C-T.
Other names: c.4300C>T, p.Pro1434Ser (NM_001113178.3); c.3628C>T, p.Pro1210Ser (NM_001367709.1); c.4249C>T, p.Pro1417Ser (NM_006599.4); c.4021C>T, p.Pro1341Ser (NM_138714.4, NM_173214.3, NM_173215.3); short protein forms P1210S, P1341S, P1417S, P1434S, P1435S.
Identifiers: ClinVar variation 1023827 (VCV001023827.8), dbSNP rs2037673824, ClinGen allele CA396515501.
Genomic context (GRCh38, chr16:69,694,128, plus strand): 5'-CCTCTTTATTCCCCTCAGAACAACATGCCTGGAATTCAAGGAGCCACATCTTCGCCTCAA[C>T]CACAGGCTACTTTATTTCACAACACAGCAGGAGGCACAATGAACCAACTGCAGAATTCTC-3'
Protein context (NP_619727.2, residues 1425-1445): GIQGATSSPQ[Pro1435Ser]QATLFHNTAG

ClinVar aggregate classification (germline): Uncertain significance (1 of 4 stars; one submission).

Conditions:
Immunodeficiency. Identifiers: MedGen C0021051, MONDO:0021094, HP:0002721.

Submission:

Labcorp Genetics (formerly Invitae), Labcorp
Classification: Uncertain significance for Immunodeficiency. Last evaluated: 2026-02-03. Review status: criteria provided, single submitter. Criteria: Invitae Variant Classification Sherloc (09022015). Collection method: clinical testing. Allele origin: germline.
Comment: This sequence change replaces proline, which is neutral and non-polar, with serine, which is neutral and polar, at codon 1341 of the NFAT5 protein (p.Pro1341Ser). This variant is not present in population databases (gnomAD no frequency). This variant has not been reported in the literature in individuals affected with NFAT5-related conditions. ClinVar contains an entry for this variant (Variation ID: 1023827). An algorithm developed to predict the effect of missense changes on protein structure and function outputs the following: PolyPhen-2: "Benign". The serine amino acid residue is found in multiple mammalian species, which suggests that this missense change does not adversely affect protein function. In summary, the available evidence is currently insufficient to determine the role of this variant in disease. Therefore, it has been classified as a Variant of Uncertain Significance.